The following is an entry in ClinVar:

ClinVar aggregate classification (germline): Likely benign. Review status: criteria provided, single submitter (1 of 4 stars). 2 submissions from 2 submitters: Likely benign (1). 1 of the submissions does not count toward it. Last evaluated 2025-10-01.

Conditions:
SUMF2-related disorder. Also called: SUMF2-related condition.

Allele frequency attached by ClinVar (database versions not stated): 1000 Genomes Project 30x 0.00125; ExAC 0.00125; 1000 Genomes Project 0.00160; TOPMed 0.00178; gnomAD exomes 0.00299.

Submissions (2):

CeGaT Center for Human Genetics Tuebingen
Classification: Likely benign. Last evaluated: 2025-10-01. Review status: criteria provided, single submitter. Criteria: CeGaT Center For Human Genetics Tuebingen Variant Classification Criteria Version 2. Collection method: clinical testing. Allele origin: germline. Affected: yes. Observed: 1 variant allele.
Comment: SUMF2: BP4

PreventionGenetics, part of Exact Sciences
Classification: Benign for SUMF2-related condition. Last evaluated: 2019-05-28. Review status: no assertion criteria provided. Collection method: clinical testing. Allele origin: germline. Not counted in ClinVar's aggregate classification.
Comment: This variant is classified as benign based on ACMG/AMP sequence variant interpretation guidelines (Richards et al. 2015 PMID: 25741868, with internal and published modifications).

NM_015411.4(SUMF2):c.822-506A>G

Gene: SUMF2 (sulfatase modifying factor 2; plus strand). Cytogenetic location: 7p11.2.
Variant type: single nucleotide variant.
Coding change: c.822-506A>G on transcript NM_015411.4 (MANE Select); 506 bases into the intron before coding-DNA position 822, A replaced by G.
Molecular consequence: intron variant. On other transcripts: missense variant (2).
Genome position (GRCh38, 1-based): chr7:56,079,022, A>G. VCF-style: chr7-56079022-A-G. GRCh37 (hg19) VCF-style: chr7-56146715-A-G.
Other names: c.877A>G, p.Lys293Glu (NM_001366647.2); c.922A>G, p.Lys308Glu (NM_001366648.2); c.831-506A>G (NM_001042468.3); c.677-506A>G (NM_001130069.4); c.173-506A>G (NM_001366649.2); c.777-506A>G (NM_001042469.3); c.570-506A>G (NM_001042470.3); c.558-506A>G (NM_001146333.3); short protein forms K293E, K308E.
Identifiers: ClinVar variation 3039385 (VCV003039385.8), dbSNP rs186963977, ClinGen allele CA4269846.
Genomic context (GRCh38, chr7:56,079,022, plus strand): 5'-TCTCAGCTCACTACAGCCTCAAACTGCCAGGCTCTAGCGATTCTTCCACCTCAGCTCCTC[A>G]AGTATCTGGGACTACAGGTGCGGCTAATTTTTGTAGAGATGAGTTTTTGCCATGCTGCCT-3'